The following is an entry in ClinVar:

NM_014324.6(AMACR):c.170T>G (p.Leu57Arg)

Genes: AMACR (alpha-methylacyl-CoA racemase; minus strand), C1QTNF3-AMACR (C1QTNF3-AMACR readthrough (NMD candidate); minus strand). Cytogenetic location: 5p13.2.
Variant type: single nucleotide variant.
Coding change: c.170T>G on transcript NM_014324.6 (MANE Select); coding-DNA position 170, T replaced by G.
Protein change: p.Leu57Arg; replaces leucine 57 with arginine.
Molecular consequence: missense variant.
Genome position (GRCh38, 1-based): chr5:34,007,850, A>C on the plus strand (T>G on the coding strand, the complement: AMACR is on the minus strand). VCF-style: chr5-34007850-A-C. GRCh37 (hg19) VCF-style: chr5-34007955-A-C.
Other names: c.170T>G, p.Leu57Arg (NM_001167595.2, NM_203382.3); short protein forms L57R.
Identifiers: ClinVar variation 3389970 (VCV003389970.14).

ClinVar aggregate classification (germline): Uncertain significance (1 of 4 stars; one submission).

gnomAD v4.1: 3 of 1,583,374 alleles (0.00019%); highest among the groups gnomAD compares: Non-Finnish European, 0.00026%; no homozygotes.

Submission:

CeGaT Center for Human Genetics Tuebingen
Classification: Uncertain significance. Last evaluated: 2024-10-01. Review status: criteria provided, single submitter. Criteria: CeGaT Center For Human Genetics Tuebingen Variant Classification Criteria Version 2. Collection method: clinical testing. Allele origin: germline. Affected: yes. Observed: 1 variant allele.
Comment: AMACR: PM1, PM2, PP4